The following is an entry in ClinVar:

NM_024821.5(CCDC134):c.311-6C>T

Gene: CCDC134 (coiled-coil domain containing 134; plus strand). Cytogenetic location: 22q13.2.
Variant type: single nucleotide variant.
Coding change: c.311-6C>T on transcript NM_024821.5 (MANE Select); 6 bases into the intron before coding-DNA position 311, C replaced by T.
Molecular consequence: intron variant.
Genome position (GRCh38, 1-based): chr22:41,813,258, C>T. VCF-style: chr22-41813258-C-T. GRCh37 (hg19) VCF-style: chr22-42209262-C-T.
Other names: c.311-6C>T (NM_001382346.1); c.225+3258C>T (NM_001304797.2).
Identifiers: ClinVar variation 4822071 (VCV004822071.4).

ClinVar aggregate classification (germline): Uncertain significance (1 of 4 stars; one submission).

gnomAD v4.1: 198 of 1,614,068 alleles (0.012%); highest among the groups gnomAD compares: Non-Finnish European, 0.015%; no homozygotes.

Submission:

CeGaT Center for Human Genetics Tuebingen
Classification: Uncertain significance. Last evaluated: 2026-01-01. Review status: criteria provided, single submitter. Criteria: CeGaT Center For Human Genetics Tuebingen Variant Classification Criteria Version 2. Collection method: clinical testing. Allele origin: germline. Affected: yes. Observed: 1 variant allele.
Comment: CCDC134: PM2, BP4